The following is an entry in ClinVar:

NM_006939.4(SOS2):c.2168C>T (p.Ala723Val)

Gene: SOS2 (SOS Ras/Rho guanine nucleotide exchange factor 2; minus strand). Cytogenetic location: 14q21.3.
Variant type: single nucleotide variant.
Coding change: c.2168C>T on transcript NM_006939.4 (MANE Select); coding-DNA position 2168, C replaced by T.
Protein change: p.Ala723Val; replaces alanine 723 with valine.
Molecular consequence: missense variant.
Genome position (GRCh38, 1-based): chr14:50,150,224, G>A on the plus strand (C>T on the coding strand, the complement: SOS2 is on the minus strand). VCF-style: chr14-50150224-G-A. GRCh37 (hg19) VCF-style: chr14-50616942-G-A.
Other names: short protein forms A723V.
Identifiers: ClinVar variation 580477 (VCV000580477.10), dbSNP rs1566827698, ClinGen allele CA389644052.

ClinVar aggregate classification (germline): Uncertain significance. Review status: criteria provided, multiple submitters, no conflicts (2 of 4 stars). 3 submissions from 3 submitters: Uncertain significance (3). Last evaluated 2023-10-15.

Conditions:
Noonan syndrome 9 (NS9). Identifiers: Orphanet 648, MedGen C4225282, MONDO:0014691, OMIM 616559.

Allele frequency attached by ClinVar (database versions not stated): gnomAD exomes below 0.00001.
gnomAD v4.1: 3 of 1,600,562 alleles (0.00019%); highest among the groups gnomAD compares: Non-Finnish European, 0.00026%; no homozygotes.

Submissions (3):

Labcorp Genetics (formerly Invitae), Labcorp
Classification: Uncertain significance for Noonan syndrome 9. Last evaluated: 2023-10-15. Review status: criteria provided, single submitter. Criteria: Invitae Variant Classification Sherloc (09022015). Collection method: clinical testing. Allele origin: germline.
Comment: This sequence change replaces alanine, which is neutral and non-polar, with valine, which is neutral and non-polar, at codon 723 of the SOS2 protein (p.Ala723Val). This variant is not present in population databases (gnomAD no frequency). This variant has not been reported in the literature in individuals affected with SOS2-related conditions. ClinVar contains an entry for this variant (Variation ID: 580477). Advanced modeling of protein sequence and biophysical properties (such as structural, functional, and spatial information, amino acid conservation, physicochemical variation, residue mobility, and thermodynamic stability) performed at Invitae indicates that this missense variant is not expected to disrupt SOS2 protein function. In summary, the available evidence is currently insufficient to determine the role of this variant in disease. Therefore, it has been classified as a Variant of Uncertain Significance.

Women's Health and Genetics/Laboratory Corporation of America, LabCorp
Classification: Uncertain significance. Last evaluated: 2022-08-22. Review status: criteria provided, single submitter. Criteria: LabCorp Variant Classification Summary - May 2015. Collection method: clinical testing. Allele origin: germline.

Genome-Nilou Lab
Classification: Uncertain significance for Noonan syndrome 9. Review status: criteria provided, single submitter. Criteria: ACMG Guidelines, 2015. Collection method: clinical testing. Allele origin: germline.